The following is an entry in ClinVar:

NM_003906.5(MCM3AP):c.2844C>G (p.Thr948=)

Gene: MCM3AP (minichromosome maintenance complex component 3 associated protein; minus strand). Cytogenetic location: 21q22.3.
Variant type: single nucleotide variant.
Coding change: c.2844C>G on transcript NM_003906.5 (MANE Select); coding-DNA position 2844, C replaced by G.
Protein change: p.Thr948=; no amino-acid change (threonine 948 retained).
Molecular consequence: synonymous variant.
Genome position (GRCh38, 1-based): chr21:46,266,112, G>C on the plus strand (C>G on the coding strand, the complement: MCM3AP is on the minus strand). VCF-style: chr21-46266112-G-C. GRCh37 (hg19) VCF-style: chr21-47686026-G-C.
Other names: p.Thr948=.
Identifiers: ClinVar variation 1595985 (VCV001595985.10), dbSNP rs17176436, ClinGen allele CA10076710.
Genomic context (GRCh38, chr21:46,266,112, plus strand): 5'-TCCGTTCACAATTTCCCCGACTGACACCGTCAGCTTCCTAGTAATAAACACCGACTTCCT[G>C]GTCTTGGATAATCCCTCTGGTTCCAGGAATGCAGACCGGTTCAGCTCCACACAGCTACCC-3'
Protein context (NP_003897.2, residues 938-958): AFLEPEGLSK[Thr948=]RKSVFITRKL

ClinVar aggregate classification (germline): Likely benign. Review status: criteria provided, multiple submitters, no conflicts (2 of 4 stars). 2 submissions from 2 submitters: Likely benign (2). Last evaluated 2025-10-17.

Allele frequency attached by ClinVar (database versions not stated): gnomAD exomes 0.00002 and 0.00003; ExAC 0.00004; gnomAD 0.00004; TOPMed 0.00004.
gnomAD v4.1: 35 of 1,612,168 alleles (0.0022%); highest among the groups gnomAD compares: Admixed American, 0.0067%; no homozygotes.

Submissions (2):

Mayo Clinic Laboratories, Mayo Clinic
Classification: Likely benign. Last evaluated: 2025-10-17. Review status: criteria provided, single submitter. Criteria: ACMG Guidelines, 2015. Collection method: clinical testing. Allele origin: germline. Observed: 1 variant allele.
Comment: BP4, BP7

Labcorp Genetics (formerly Invitae), Labcorp
Classification: Likely benign. Last evaluated: 2024-08-29. Review status: criteria provided, single submitter. Criteria: Invitae Variant Classification Sherloc (09022015). Collection method: clinical testing. Allele origin: germline.